The following is an entry in ClinVar:

ClinVar aggregate classification (germline): Uncertain significance. Review status: criteria provided, multiple submitters, no conflicts (2 of 4 stars). 2 submissions from 2 submitters: Uncertain significance (2). Last evaluated 2025-05-19.

Conditions:
Hereditary cancer-predisposing syndrome. Also called: Tumor predisposition; Neoplastic Syndromes, Hereditary; Hereditary Cancer Syndrome; Hereditary neoplastic syndrome. Identifiers: Orphanet 140162, MedGen C0027672, MeSH D009386, MONDO:0015356.

Submissions (2):

Ambry Genetics
Classification: Uncertain significance for Hereditary cancer-predisposing syndrome. Last evaluated: 2025-05-19. Review status: criteria provided, single submitter. Criteria: Ambry Variant Classification Scheme 2023. Collection method: clinical testing. Allele origin: germline.
Comment: The p.F1741C variant (also known as c.5222T>G), located in coding exon 15 of the APC gene, results from a T to G substitution at nucleotide position 5222. The phenylalanine at codon 1741 is replaced by cysteine, an amino acid with highly dissimilar properties. This amino acid position is conserved. In addition, in silico predictors for this gene do not accurately predict pathogenicity. Based on the available evidence, the clinical significance of this variant remains unclear.

Quest Diagnostics Nichols Institute San Juan Capistrano
Classification: Uncertain significance. Last evaluated: 2019-08-18. Review status: criteria provided, single submitter. Criteria: Quest Diagnostics criteria. Collection method: clinical testing. Allele origin: germline.

NM_000038.6(APC):c.5222T>G (p.Phe1741Cys)

Gene: APC (APC regulator of Wnt signaling pathway; plus strand). Cytogenetic location: 5q22.2.
Variant type: single nucleotide variant.
Coding change: c.5222T>G on transcript NM_000038.6 (MANE Select); coding-DNA position 5222, T replaced by G.
Protein change: p.Phe1741Cys; replaces phenylalanine 1741 with cysteine.
Molecular consequence: missense variant.
Genome position (GRCh38, 1-based): chr5:112,840,816, T>G. VCF-style: chr5-112840816-T-G. GRCh37 (hg19) VCF-style: chr5-112176513-T-G.
Other names: c.5222T>G, p.Phe1741Cys (NM_001127510.3, NM_001354895.2); c.5168T>G, p.Phe1723Cys (NM_001127511.3); c.5276T>G, p.Phe1759Cys (NM_001354896.2); c.5252T>G, p.Phe1751Cys (NM_001354897.2); c.5147T>G, p.Phe1716Cys (NM_001354898.2); c.5138T>G, p.Phe1713Cys (NM_001354899.2); c.5099T>G, p.Phe1700Cys (NM_001354900.2); c.5045T>G, p.Phe1682Cys (NM_001354901.2); and 5 more; short protein forms F1650C, F1723C, F1751C, F1581C, F1615C, F1682C, F1713C, F1741C.
Identifiers: ClinVar variation 801036 (VCV000801036.3), dbSNP rs1580657588, ClinGen allele CA16032748.